The following is an entry in ClinVar:

NM_001366110.1(PAX4):c.211G>T (p.Gly71Cys)

Gene: PAX4 (paired box 4; minus strand). Cytogenetic location: 7q32.1.
Variant type: single nucleotide variant.
Coding change: c.211G>T on transcript NM_001366110.1 (MANE Select); coding-DNA position 211, G replaced by T.
Protein change: p.Gly71Cys; replaces glycine 71 with cysteine.
Molecular consequence: missense variant.
Genome position (GRCh38, 1-based): chr7:127,615,029, C>A on the plus strand (G>T on the coding strand, the complement: PAX4 is on the minus strand). VCF-style: chr7-127615029-C-A. GRCh37 (hg19) VCF-style: chr7-127255083-C-A.
Other names: NM_006193.2:c.187G>T; c.211G>T, p.Gly71Cys (NM_001366111.1); short protein forms G71C.
Identifiers: ClinVar variation 549523 (VCV000549523.16), dbSNP rs112061448, ClinGen allele CA4468161.

ClinVar aggregate classification (germline): Conflicting classifications of pathogenicity. Review status: criteria provided, conflicting classifications (1 of 4 stars). 5 submissions from 5 submitters: Uncertain significance (1); Likely benign (3). 1 of the submissions does not count toward it. Last evaluated 2026-02-04.

Conditions:
Maturity-onset diabetes of the young type 9 (MODY9). Identifiers: Orphanet 552, MedGen C2677132, MONDO:0012818, OMIM 612225.
Type 2 diabetes mellitus. Also called: Type II diabetes mellitus. Identifiers: MedGen C0011860, MeSH D003924, MONDO:0005148, OMIM 125853, HP:0005978.
Monogenic diabetes. Identifiers: Orphanet 183625, MedGen C3888631, MONDO:0015967.
PAX4-related disorder. Also called: PAX4-related condition.

Allele frequency attached by ClinVar (database versions not stated): ESP Exome Variant Server 0.00200; 1000 Genomes Project 0.00100; 1000 Genomes Project 30x 0.00109; TOPMed 0.00111.
gnomAD v4.1: 333 of 1,614,220 alleles (0.021%); highest among the groups gnomAD compares: African/African-American, 0.38%; 1 homozygote.

Submissions (5):

Labcorp Genetics (formerly Invitae), Labcorp
Classification: Likely benign. Last evaluated: 2026-02-04. Review status: criteria provided, single submitter. Criteria: Invitae Variant Classification Sherloc (09022015). Collection method: clinical testing. Allele origin: germline.

Women's Health and Genetics/Laboratory Corporation of America, LabCorp
Classification: Likely benign. Last evaluated: 2023-05-22. Review status: criteria provided, single submitter. Criteria: LabCorp Variant Classification Summary - May 2015. Collection method: clinical testing. Allele origin: germline.

New York Genome Center
Classification: Uncertain significance for Type 2 diabetes mellitus; Maturity-onset diabetes of the young type 9. Last evaluated: 2021-10-26. Review status: criteria provided, single submitter. Criteria: NYGC Assertion Criteria 2020. Collection method: clinical testing. Allele origin: germline. Observed: 1 heterozygote.

Personalized Diabetes Medicine Program, University of Maryland School of Medicine
Classification: Likely benign for Monogenic diabetes. Last evaluated: 2017-09-01. Review status: criteria provided, single submitter. Criteria: ACMG Guidelines, 2015. Collection method: research. Allele origin: unknown. Observed: 1 variant allele, 1 heterozygote. Study: Personalized Diabetes Medicine Program.
Comment: ACMG Criteria:PP3 (7 predictors), BP4 (3 predictors), BS2 (5 cases and 5 controls in T2DM)

PreventionGenetics, part of Exact Sciences
Classification: Likely benign for PAX4-related condition. Last evaluated: 2022-04-14. Review status: no assertion criteria provided. Collection method: clinical testing. Allele origin: germline. Not counted in ClinVar's aggregate classification.
Comment: This variant is classified as likely benign based on ACMG/AMP sequence variant interpretation guidelines (Richards et al. 2015 PMID: 25741868, with internal and published modifications).